The following is an entry in ClinVar:

ClinVar aggregate classification (germline): Uncertain significance (1 of 4 stars; one submission).

Conditions:
Chédiak-Higashi syndrome (CHS). Also called: Chediak-Higashi Syndrome. Identifiers: Orphanet 167, MedGen C0007965, MONDO:0008963, OMIM 214500.

Allele frequency attached by ClinVar (database versions not stated): gnomAD exomes below 0.00001.
gnomAD v4.1: 1 of 1,614,168 alleles (0.000062%); highest among the groups gnomAD compares: East Asian, 0.0022%; no homozygotes.

Submission:

Labcorp Genetics (formerly Invitae), Labcorp
Classification: Uncertain significance for Chédiak-Higashi syndrome. Last evaluated: 2025-06-16. Review status: criteria provided, single submitter. Criteria: Invitae Variant Classification Sherloc (09022015). Collection method: clinical testing. Allele origin: germline.
Comment: This sequence change replaces serine, which is neutral and polar, with leucine, which is neutral and non-polar, at codon 2182 of the LYST protein (p.Ser2182Leu). This variant is not present in population databases (gnomAD no frequency). This variant has not been reported in the literature in individuals affected with LYST-related conditions. ClinVar contains an entry for this variant (Variation ID: 2201688). Invitae Evidence Modeling of protein sequence and biophysical properties (such as structural, functional, and spatial information, amino acid conservation, physicochemical variation, residue mobility, and thermodynamic stability) indicates that this missense variant is not expected to disrupt LYST protein function with a negative predictive value of 80%. In summary, the available evidence is currently insufficient to determine the role of this variant in disease. Therefore, it has been classified as a Variant of Uncertain Significance.

NM_000081.4(LYST):c.6545C>T (p.Ser2182Leu)

Gene: LYST (lysosomal trafficking regulator; minus strand). Cytogenetic location: 1q42.3.
Variant type: single nucleotide variant.
Coding change: c.6545C>T on transcript NM_000081.4 (MANE Select); coding-DNA position 6545, C replaced by T.
Protein change: p.Ser2182Leu; replaces serine 2182 with leucine.
Molecular consequence: missense variant.
Genome position (GRCh38, 1-based): chr1:235,759,308, G>A on the plus strand (C>T on the coding strand, the complement: LYST is on the minus strand). VCF-style: chr1-235759308-G-A. GRCh37 (hg19) VCF-style: chr1-235922608-G-A.
Other names: c.6545C>T, p.Ser2182Leu (NM_001301365.1); short protein forms S2182L.
Identifiers: ClinVar variation 2201688 (VCV002201688.4), dbSNP rs2527808723, ClinGen allele CA344941052.